The following is an entry in ClinVar:

NM_001114753.3(ENG):c.360+6T>G

Gene: ENG (endoglin; minus strand). Cytogenetic location: 9q34.11.
Variant type: single nucleotide variant.
Coding change: c.360+6T>G on transcript NM_001114753.3 (MANE Select); 6 bases into the intron after coding-DNA position 360, T replaced by G.
Molecular consequence: intron variant.
Genome position (GRCh38, 1-based): chr9:127,829,681, A>C on the plus strand (T>G on the coding strand, the complement: ENG is on the minus strand). VCF-style: chr9-127829681-A-C. GRCh37 (hg19) VCF-style: chr9-130591960-A-C.
Other names: c.360+6T>G (NM_000118.4, NM_001406715.1); c.-187+6T>G (NM_001278138.2).
Identifiers: ClinVar variation 1192018 (VCV001192018.4), dbSNP rs2131894931, ClinGen allele CA2499219647.

ClinVar aggregate classification (germline): Uncertain significance (1 of 4 stars; one submission).

Submission:

GeneDx
Classification: Uncertain significance. Last evaluated: 2020-10-15. Review status: criteria provided, single submitter. Criteria: GeneDx Variant Classification Process June 2021. Collection method: clinical testing. Allele origin: germline. Affected: yes.
Comment: Not observed in large population cohorts (Lek et al., 2016); In silico analysis, which includes splice predictors and evolutionary conservation, supports a deleterious effect; Has not been previously published as pathogenic or benign to our knowledge